The following is an entry in ClinVar:

ClinVar aggregate classification (germline): Uncertain significance (1 of 4 stars; one submission).

Conditions:
TNRC6B-related disorder. Also called: TNRC6B-related condition.

Submission:

PreventionGenetics, part of Exact Sciences
Classification: Uncertain significance for TNRC6B-related condition. Last evaluated: 2025-10-15. Review status: criteria provided, single submitter. Criteria: ACMG Guidelines, 2015. Collection method: clinical testing. Allele origin: germline.
Comment: The TNRC6B c.1639C>G variant is predicted to result in the amino acid substitution p.Pro547Ala. To our knowledge, this variant has not been reported in the literature or in a large population database (gnomAD), indicating this variant is rare. At this time, the clinical significance of this variant is uncertain due to the absence of conclusive functional and genetic evidence.

NM_001162501.2(TNRC6B):c.1639C>G (p.Pro547Ala)

Gene: TNRC6B (trinucleotide repeat containing adaptor 6B; plus strand). Cytogenetic location: 22q13.1.
Variant type: single nucleotide variant.
Coding change: c.1639C>G on transcript NM_001162501.2 (MANE Select); coding-DNA position 1639, C replaced by G.
Protein change: p.Pro547Ala; replaces proline 547 with alanine.
Molecular consequence: missense variant. On other transcripts: intron variant (1).
Genome position (GRCh38, 1-based): chr22:40,265,869, C>G. VCF-style: chr22-40265869-C-G. GRCh37 (hg19) VCF-style: chr22-40661873-C-G.
Other names: c.1639C>G, p.Pro547Ala (NM_015088.3); c.565+3696C>G (NM_001024843.2); short protein forms P547A.
Identifiers: ClinVar variation 3047982 (VCV003047982.3), dbSNP rs772060480, ClinGen allele CA324418988.
Genomic context (GRCh38, chr22:40,265,869, plus strand): 5'-GGTCCAAACCAACCAAATTCTAGCACTGGAGCATGGGACAATCAAAAGGGCCACCCCCTC[C>G]CTGAAAACCAAGGCAATGCCCAGGCTCCCTGTTGGGGAAGATCTTCCAGCTCCACAGGAA-3'
Protein context (NP_001155973.1, residues 537-557): AWDNQKGHPL[Pro547Ala]ENQGNAQAPC